The following is an entry in ClinVar:

NM_001126108.2(SLC12A3):c.2679_2691del (p.His894fs)

Gene: SLC12A3 (solute carrier family 12 member 3; plus strand). Cytogenetic location: 16q13.
Variant type: Deletion.
Coding change: c.2679_2691del on transcript NM_001126108.2 (MANE Select); coding-DNA positions 2679 to 2691, 13 bases deleted (CCACATCCTCCCT).
Protein change: p.His894fs; shifts the reading frame from histidine 894.
Molecular consequence: frameshift variant.
Genome position (GRCh38, 1-based): chr16:56,899,575-56,899,587, CCACATCCTCCCT deleted; deleting any 13 consecutive bases within chr16:56,899,574-56,899,587 gives the same sequence; the c. name uses the placement nearest the transcript's 3' end. VCF-style (leftmost placement, unchanged base first): chr16-56899573-GTCCACATCCTCCC-G. GRCh37 (hg19) VCF-style: chr16-56933485-GTCCACATCCTCCC-G.
Other names: c.2706_2718del, p.His903fs (NM_000339.3); c.2703_2715del, p.His902fs (NM_001126107.2); c.2676_2688delCCACATCCTCCCT, p.His893Thrfs (NM_001410896.1); short protein forms H894fs, H903fs, H902fs.
Identifiers: ClinVar variation 2036858 (VCV002036858.4), dbSNP rs2543552471, ClinGen allele CA2580091662.

ClinVar aggregate classification (germline): Pathogenic (1 of 4 stars; one submission).

Submission:

Labcorp Genetics (formerly Invitae), Labcorp
Classification: Pathogenic. Last evaluated: 2022-10-26. Review status: criteria provided, single submitter. Criteria: Invitae Variant Classification Sherloc (09022015). Collection method: clinical testing. Allele origin: germline.
Comment: For these reasons, this variant has been classified as Pathogenic. This variant has not been reported in the literature in individuals affected with SLC12A3-related conditions. This variant is not present in population databases (gnomAD no frequency). This sequence change creates a premature translational stop signal (p.His903Thrfs*17) in the SLC12A3 gene. It is expected to result in an absent or disrupted protein product. Loss-of-function variants in SLC12A3 are known to be pathogenic (PMID: 20848653, 22009145, 25841442).

Literature cited by the submitters: PubMed 20848653; PubMed 22009145; PubMed 25841442.